The following is an entry in ClinVar:

NM_000135.4(FANCA):c.1145A>G (p.Gln382Arg)

Gene: FANCA (FA complementation group A; minus strand). Cytogenetic location: 16q24.3.
Variant type: single nucleotide variant.
Coding change: c.1145A>G on transcript NM_000135.4 (MANE Select); coding-DNA position 1145, A replaced by G.
Protein change: p.Gln382Arg; replaces glutamine 382 with arginine.
Molecular consequence: missense variant.
Genome position (GRCh38, 1-based): chr16:89,792,007, T>C on the plus strand (A>G on the coding strand, the complement: FANCA is on the minus strand). VCF-style: chr16-89792007-T-C. GRCh37 (hg19) VCF-style: chr16-89858415-T-C.
Other names: c.1145A>G, p.Gln382Arg (NM_001286167.3); short protein forms Q382R.
Identifiers: ClinVar variation 844061 (VCV000844061.12), dbSNP rs747766198, ClinGen allele CA8252496.
Genomic context (GRCh38, chr16:89,792,007, plus strand): 5'-TCTGGAAAGCAGACAACCAGGGCAGACACAAAGGAGAGCACTCTCTGCCAGTGAACCTCC[T>C]GCGTTTCCAGAACTTCTTGCAAATGGCCAACCAACTCCTCTGCACTCAGCATCACAAAGA-3'
Protein context (NP_000126.2, residues 372-392): VGHLQEVLET[Gln382Arg]EVHWQRVLSF

ClinVar aggregate classification (germline): Uncertain significance. Review status: criteria provided, multiple submitters, no conflicts (2 of 4 stars). 3 submissions from 3 submitters: Uncertain significance (2). 1 of the submissions does not count toward it. Last evaluated 2025-12-20.

Conditions:
Fanconi anemia (FA). Also called: Fanconi's anemia. Identifiers: Orphanet 84, MedGen C0015625, MeSH D005199, MONDO:0019391.
Inborn genetic diseases. Identifiers: MedGen C0950123, MeSH D030342.

Allele frequency attached by ClinVar (database versions not stated): ExAC 0.00001; gnomAD 0.00001.
gnomAD v4.1: 4 of 1,614,216 alleles (0.00025%); highest among the groups gnomAD compares: Middle Eastern, 0.049%; no homozygotes.

Submissions (3):

Ambry Genetics
Classification: Uncertain significance for Inborn genetic diseases. Last evaluated: 2025-12-20. Review status: criteria provided, single submitter. Criteria: Ambry Variant Classification Scheme 2023. Collection method: clinical testing. Allele origin: germline.
Comment: The p.Q382R variant (also known as c.1145A>G), located in coding exon 13 of the FANCA gene, results from an A to G substitution at nucleotide position 1145. The glutamine at codon 382 is replaced by arginine, an amino acid with highly similar properties. This amino acid position is conserved. In addition, this alteration is predicted to be tolerated by in silico analysis. Based on the available evidence, the clinical significance of this variant remains unclear.

Labcorp Genetics (formerly Invitae), Labcorp
Classification: Uncertain significance for Fanconi anemia. Last evaluated: 2021-08-05. Review status: criteria provided, single submitter. Criteria: Invitae Variant Classification Sherloc (09022015). Collection method: clinical testing. Allele origin: germline.
Comment: This variant is present in population databases (rs747766198, ExAC 0.001%). This variant has not been reported in the literature in individuals with FANCA-related conditions. Algorithms developed to predict the effect of missense changes on protein structure and function output the following: SIFT: "Tolerated"; PolyPhen-2: "Benign"; Align-GVGD: "Class C0". The arginine amino acid residue is found in multiple mammalian species, suggesting that this missense change does not adversely affect protein function. These predictions have not been confirmed by published functional studies and their clinical significance is uncertain. In summary, the available evidence is currently insufficient to determine the role of this variant in disease. Therefore, it has been classified as a Variant of Uncertain Significance. This sequence change replaces glutamine with arginine at codon 382 of the FANCA protein (p.Gln382Arg). The glutamine residue is weakly conserved and there is a small physicochemical difference between glutamine and arginine.

Natera, Inc.
Classification: Uncertain significance for Fanconi anemia. Last evaluated: 2020-09-03. Review status: no assertion criteria provided. Collection method: clinical testing. Allele origin: germline. Not counted in ClinVar's aggregate classification.